The following is an entry in ClinVar:

NM_006231.4(POLE):c.1426C>A (p.Pro476Thr)

Gene: POLE (DNA polymerase epsilon, catalytic subunit; minus strand). Cytogenetic location: 12q24.33.
Variant type: single nucleotide variant.
Coding change: c.1426C>A on transcript NM_006231.4 (MANE Select); coding-DNA position 1426, C replaced by A.
Protein change: p.Pro476Thr; replaces proline 476 with threonine.
Molecular consequence: missense variant.
Genome position (GRCh38, 1-based): chr12:132,673,211, G>T on the plus strand (C>A on the coding strand, the complement: POLE is on the minus strand). VCF-style: chr12-132673211-G-T. GRCh37 (hg19) VCF-style: chr12-133249797-G-T.
Other names: short protein forms P476T.
Identifiers: ClinVar variation 1355324 (VCV001355324.8), dbSNP rs1555228469, ClinGen allele CA387358368.
Genomic context (GRCh38, chr12:132,673,211, plus strand): 5'-AGATAATGCTCACCTCGTCGGGCTCCATGGGAATAATGGTGCACAGAGCAAAGATGAATG[G>T]GTGGACGTACTTCATGTACAGGTAGTAAGTGGCGACAGCATCTGACACAGAATACGTGGC-3'
Protein context (NP_006222.2, residues 466-486): TYYLYMKYVH[Pro476Thr]FIFALCTIIP

ClinVar aggregate classification (germline): Uncertain significance (1 of 4 stars; one submission).

Submission:

Labcorp Genetics (formerly Invitae), Labcorp
Classification: Uncertain significance. Last evaluated: 2021-03-29. Review status: criteria provided, single submitter. Criteria: Invitae Variant Classification Sherloc (09022015). Collection method: clinical testing. Allele origin: germline.
Comment: Algorithms developed to predict the effect of missense changes on protein structure and function are either unavailable or do not agree on the potential impact of this missense change (SIFT: "Deleterious"; PolyPhen-2: "Probably Damaging"; Align-GVGD: "Class C0"). This variant has not been reported in the literature in individuals with POLE-related conditions. This variant is not present in population databases (ExAC no frequency). This sequence change replaces proline with threonine at codon 476 of the POLE protein (p.Pro476Thr). The proline residue is highly conserved and there is a small physicochemical difference between proline and threonine. In summary, the available evidence is currently insufficient to determine the role of this variant in disease. Therefore, it has been classified as a Variant of Uncertain Significance.